The following is an entry in ClinVar:

NM_001386298.1(CIC):c.6292del (p.Val2098fs)

Gene: CIC (capicua transcriptional repressor; plus strand). Cytogenetic location: 19q13.2.
Variant type: Deletion.
Coding change: c.6292del on transcript NM_001386298.1 (MANE Select); coding-DNA position 6292, one base deleted (G; older notation c.6292delG).
Protein change: p.Val2098fs; shifts the reading frame from valine 2098.
Molecular consequence: frameshift variant.
Genome position (GRCh38, 1-based): chr19:42,293,051, G deleted. VCF-style (leftmost placement, unchanged base first): chr19-42293050-CG-C. GRCh37 (hg19) VCF-style: chr19-42797202-CG-C.
Other names: c.6292del, p.Val2098fs (NM_001304815.2, NM_001379482.1); c.6289del, p.Val2097fs (NM_001379480.1); c.3565del, p.Val1189fs (NM_001379484.1, NM_001379485.1, NM_015125.5); short protein forms V1189fs, V2097fs, V2098fs.
Identifiers: ClinVar variation 3772406 (VCV003772406.13).

ClinVar aggregate classification (germline): Pathogenic (1 of 4 stars; one submission).

Submission:

CeGaT Center for Human Genetics Tuebingen
Classification: Pathogenic. Last evaluated: 2025-02-01. Review status: criteria provided, single submitter. Criteria: CeGaT Center For Human Genetics Tuebingen Variant Classification Criteria Version 2. Collection method: clinical testing. Allele origin: germline. Affected: yes. Observed: 1 variant allele.
Comment: CIC: PVS1, PM2